The following is an entry in ClinVar:

NM_000268.4(NF2):c.542C>T (p.Pro181Leu)

Gene: NF2 (NF2, moesin-ezrin-radixin like (MERLIN) tumor suppressor; plus strand). Cytogenetic location: 22q12.2.
Variant type: single nucleotide variant.
Coding change: c.542C>T on transcript NM_000268.4 (MANE Select); coding-DNA position 542, C replaced by T.
Protein change: p.Pro181Leu; replaces proline 181 with leucine.
Molecular consequence: missense variant. On other transcripts: non-coding transcript variant (1), intron variant (1).
Genome position (GRCh38, 1-based): chr22:29,655,619, C>T. VCF-style: chr22-29655619-C-T. GRCh37 (hg19) VCF-style: chr22-30051608-C-T.
Other names: c.542C>T, p.Pro181Leu (NM_016418.5, NM_181825.3, NM_181832.3); c.416C>T, p.Pro139Leu (NM_181828.3); c.419C>T, p.Pro140Leu (NM_181829.3); c.293C>T, p.Pro98Leu (NM_181830.3, NM_181831.3); c.447+13334C>T (NM_181833.3); short protein forms P139L, P98L, P140L, P181L.
Identifiers: ClinVar variation 841717 (VCV000841717.12), dbSNP rs1362524399, ClinGen allele CA411142570.

ClinVar aggregate classification (germline): Conflicting classifications of pathogenicity. Review status: criteria provided, conflicting classifications (1 of 4 stars). 4 submissions from 4 submitters: Uncertain significance (3); Likely benign (1). Last evaluated 2025-12-03.

Conditions:
Hereditary cancer-predisposing syndrome. Also called: Tumor predisposition; Hereditary Cancer Syndrome; Hereditary neoplastic syndrome; Neoplastic Syndromes, Hereditary. Identifiers: Orphanet 140162, MedGen C0027672, MeSH D009386, MONDO:0015356.
Neurofibromatosis, type 2 (SWNV). Also called: BILATERAL ACOUSTIC NEUROFIBROMATOSIS; SCHWANNOMATOSIS, VESTIBULAR; NF2-Related Schwannomatosis. Identifiers: Orphanet 637, MedGen C0027832, MONDO:0007039, OMIM 101000. Disease mechanism: loss of function.

Allele frequency attached by ClinVar (database versions not stated): gnomAD exomes below 0.00001 and 0.00001; TOPMed below 0.00001; gnomAD 0.00001.

Submissions (4):

Labcorp Genetics (formerly Invitae), Labcorp
Classification: Uncertain significance for Neurofibromatosis, type 2. Last evaluated: 2025-12-03. Review status: criteria provided, single submitter. Criteria: Invitae Variant Classification Sherloc (09022015). Collection method: clinical testing. Allele origin: germline.
Comment: This sequence change replaces proline, which is neutral and non-polar, with leucine, which is neutral and non-polar, at codon 181 of the NF2 protein (p.Pro181Leu). This variant is present in population databases (no rsID available, gnomAD 0.002%). This variant has not been reported in the literature in individuals affected with NF2-related conditions. ClinVar contains an entry for this variant (Variation ID: 841717). Invitae Evidence Modeling of protein sequence and biophysical properties (such as structural, functional, and spatial information, amino acid conservation, physicochemical variation, residue mobility, and thermodynamic stability) indicates that this missense variant is not expected to disrupt NF2 protein function with a negative predictive value of 80%. In summary, the available evidence is currently insufficient to determine the role of this variant in disease. Therefore, it has been classified as a Variant of Uncertain Significance.

GeneDx
Classification: Uncertain significance. Last evaluated: 2025-06-20. Review status: criteria provided, single submitter. Criteria: GeneDx Variant Classification Process June 2021. Collection method: clinical testing. Allele origin: germline. Affected: yes.
Comment: In silico analysis supports that this missense variant has a deleterious effect on protein structure/function; Has not been previously published as pathogenic or benign to our knowledge; This variant is associated with the following publications: (PMID: 11756419, 16324214)

All of Us Research Program, National Institutes of Health
Classification: Uncertain significance for Neurofibromatosis, type 2. Last evaluated: 2024-05-14. Review status: criteria provided, single submitter. Criteria: ACMG Guidelines, 2015. Collection method: clinical testing. Allele origin: germline. Inheritance: Autosomal dominant inheritance. Observed: 1 variant allele, 1 heterozygote.
Comment: This missense variant replaces proline with leucine at codon 181 of the NF2 protein. Computational prediction suggests that this variant may not impact protein structure and function. To our knowledge, functional studies have not been reported for this variant. This variant has not been reported in individuals affected with NF2-related disorders in the literature. This variant has been identified in 2/251394 chromosomes in the general population by the Genome Aggregation Database (gnomAD). The available evidence is insufficient to determine the role of this variant in disease conclusively. Therefore, this variant is classified as a Variant of Uncertain Significance.

This study involves interpretation of variants in research participants for the purpose of population health screening. Participant phenotype was not available at the time of variant classification. Additional details can be found in publication PMID: 35346344, PMCID: PMC8962531

Ambry Genetics
Classification: Likely benign for Hereditary cancer-predisposing syndrome. Last evaluated: 2022-07-15. Review status: criteria provided, single submitter. Criteria: Ambry Variant Classification Scheme 2023. Collection method: clinical testing. Allele origin: germline.